The following is an entry in ClinVar:

NM_004360.5(CDH1):c.832+9A>T

Gene: CDH1 (cadherin 1; plus strand). Cytogenetic location: 16q22.1.
Variant type: single nucleotide variant.
Coding change: c.832+9A>T on transcript NM_004360.5 (MANE Select); 9 bases into the intron after coding-DNA position 832, A replaced by T.
Molecular consequence: intron variant.
Genome position (GRCh38, 1-based): chr16:68,810,350, A>T. VCF-style: chr16-68810350-A-T. GRCh37 (hg19) VCF-style: chr16-68844253-A-T.
Other names: c.832+9A>T (LRG_301t1, NM_001317184.2); c.-784+9A>T (NM_001317185.2); c.-988+9A>T (NM_001317186.2).
Identifiers: ClinVar variation 382162 (VCV000382162.21), dbSNP rs1057521268, ClinGen allele CA16607052.

ClinVar aggregate classification (germline): Benign/Likely benign. Review status: criteria provided, multiple submitters, no conflicts (2 of 4 stars). 8 submissions from 8 submitters: Benign (1); Likely benign (7). Last evaluated 2026-02-01.

Conditions:
Hereditary cancer-predisposing syndrome. Also called: Tumor predisposition; Neoplastic Syndromes, Hereditary; Hereditary neoplastic syndrome; Hereditary Cancer Syndrome. Identifiers: Orphanet 140162, MedGen C0027672, MeSH D009386, MONDO:0015356.
Hereditary diffuse gastric adenocarcinoma (HDGC). Also called: DIFFUSE GASTRIC AND LOBULAR BREAST CANCER SYNDROME. Identifiers: Orphanet 26106, MedGen C1708349, MONDO:0007648, OMIM 137215.
Familial cancer of breast. Also called: BREAST CANCER, FAMILIAL; Hereditary breast cancer; hereditary breast carcinoma. Identifiers: Orphanet 227535, MedGen C0346153, MONDO:0016419, OMIM 114480. Disease mechanism: loss of function.
Ovarian cancer. Also called: OVARIAN CANCER, SOMATIC. Identifiers: Orphanet 213500, MedGen C1140680, MONDO:0008170, OMIM 167000.

Allele frequency attached by ClinVar (database versions not stated): TOPMed below 0.00001; gnomAD 0.00001.

Submissions (8):

Labcorp Genetics (formerly Invitae), Labcorp
Classification: Likely benign for Hereditary diffuse gastric adenocarcinoma. Last evaluated: 2026-02-01. Review status: criteria provided, single submitter. Criteria: Invitae Variant Classification Sherloc (09022015). Collection method: clinical testing. Allele origin: germline.

Quest Diagnostics Nichols Institute San Juan Capistrano
Classification: Likely benign. Last evaluated: 2025-07-30. Review status: criteria provided, single submitter. Criteria: Quest Diagnostics criteria. Collection method: clinical testing. Allele origin: unknown.

KCCC/NGS Laboratory, Kuwait Cancer Control Center
Classification: Benign for Hereditary diffuse gastric adenocarcinoma. Last evaluated: 2025-02-01. Review status: criteria provided, single submitter. Criteria: ACMG Guidelines, 2015. Collection method: clinical testing. Allele origin: germline. Affected: no.

Blueprint Genetics
Classification: Likely benign. Last evaluated: 2024-11-08. Review status: criteria provided, single submitter. Criteria: ACMG Guidelines, 2015. Collection method: clinical testing. Allele origin: germline.

Myriad Genetics, Inc.
Classification: Likely benign for Hereditary diffuse gastric adenocarcinoma. Last evaluated: 2024-09-16. Review status: criteria provided, single submitter. Criteria: Myriad Autosomal Dominant, Autosomal Recessive and X-Linked Classification Criteria (2023). Collection method: clinical testing. Allele origin: unknown.
Comment: This variant is considered likely benign. This variant is intronic and is not expected to impact mRNA splicing.

Department of Pathology and Laboratory Medicine, Sinai Health System
Classification: Likely benign for Familial cancer of breast; Ovarian cancer. Last evaluated: 2022-10-24. Review status: criteria provided, single submitter. Criteria: ACMG Guidelines, 2015. Collection method: clinical testing. Allele origin: germline. Affected: yes.

Color Diagnostics, LLC DBA Color Health
Classification: Likely benign for Hereditary cancer-predisposing syndrome. Last evaluated: 2017-01-09. Review status: criteria provided, single submitter. Criteria: ACMG Guidelines, 2015. Collection method: clinical testing. Allele origin: germline.

GeneDx
Classification: Likely benign. Last evaluated: 2016-11-21. Review status: criteria provided, single submitter. Criteria: GeneDx Variant Classification (06012015). Collection method: clinical testing. Allele origin: germline. Affected: yes.
Comment: This variant is considered likely benign or benign based on one or more of the following criteria: it is a conservative change, it occurs at a poorly conserved position in the protein, it is predicted to be benign by multiple in silico algorithms, and/or has population frequency not consistent with disease.